The following is an entry in ClinVar:

ClinVar aggregate classification (germline): Uncertain significance (1 of 4 stars; one submission).

Submission:

Dasa
Classification: Uncertain significance. Last evaluated: 2025-03-02. Review status: criteria provided, single submitter. Criteria: DASA Assertion Criteria. Collection method: clinical testing. Allele origin: germline.
Comment: NM_001356.5(DDX3X):c.1583G>C (p.Arg528Pro) is a missense variant that results in the substitution of arginine with proline. This variant is absent from population databases. Computational prediction algorithms are consistent with a deleterious effect. The currently available literature and clinical evidence are not sufficient to establish a definitive association between this variant and the reported condition. Therefore, this variant is classified as a variant of uncertain significance.

NM_001356.5(DDX3X):c.1583G>C (p.Arg528Pro)

Gene: DDX3X (DEAD-box helicase 3 X-linked; plus strand). Cytogenetic location: Xp11.4.
Variant type: single nucleotide variant.
Coding change: c.1583G>C on transcript NM_001356.5 (MANE Select); coding-DNA position 1583, G replaced by C.
Protein change: p.Arg528Pro; replaces arginine 528 with proline.
Molecular consequence: missense variant. On other transcripts: non-coding transcript variant (1).
Genome position (GRCh38, 1-based): chrX:41,346,590, G>C. VCF-style: chrX-41346590-G-C. GRCh37 (hg19) VCF-style: chrX-41205843-G-C.
Other names: c.1583G>C, p.Arg528Pro (NM_001193416.3); c.1535G>C, p.Arg512Pro (NM_001193417.3); c.1025G>C, p.Arg342Pro (NM_001363819.1); short protein forms R342P, R512P, R528P.
Identifiers: ClinVar variation 4882258 (VCV004882258.2).